The following is an entry in ClinVar:

NM_006864.4(LILRB3):c.870= (p.Tyr290=)

Gene: LILRB3 (leukocyte immunoglobulin like receptor B3; minus strand). Cytogenetic location: 19q13.42.
Variant type: Variation.
Coding change: c.870= on transcript NM_006864.4 (MANE Select); coding-DNA position 870, no change from the reference sequence.
Protein change: p.Tyr290=; no amino-acid change (tyrosine 290 retained).
Molecular consequence: no sequence alteration. On other transcripts: non-coding transcript variant (4).
Genome position: GRCh38 VCF-style: chr19-54221168-G-G. GRCh37 (hg19) VCF-style: chr19-54725040-A-G.
Other names: c.870=, p.Tyr290= (NM_001081450.3, NM_001320960.2).
Identifiers: ClinVar variation 3770973 (VCV003770973.13).

ClinVar aggregate classification (germline): Likely benign (1 of 4 stars; one submission).

Submission:

CeGaT Center for Human Genetics Tuebingen
Classification: Likely benign. Last evaluated: 2025-02-01. Review status: criteria provided, single submitter. Criteria: CeGaT Center For Human Genetics Tuebingen Variant Classification Criteria Version 2. Collection method: clinical testing. Allele origin: germline. Affected: yes. Observed: 1 variant allele.
Comment: LILRB3: BP4, BP7